The following is an entry in ClinVar:

NM_000051.4(ATM):c.4316T>A (p.Leu1439His)

Gene: ATM (ATM serine/threonine kinase; plus strand). Cytogenetic location: 11q22.3.
Variant type: single nucleotide variant.
Coding change: c.4316T>A on transcript NM_000051.4 (MANE Select); coding-DNA position 4316, T replaced by A.
Protein change: p.Leu1439His; replaces leucine 1439 with histidine.
Molecular consequence: missense variant.
Genome position (GRCh38, 1-based): chr11:108,289,681, T>A. VCF-style: chr11-108289681-T-A. GRCh37 (hg19) VCF-style: chr11-108160408-T-A.
Other names: c.4316T>A, p.Leu1439His (NM_001351834.2); short protein forms L1439H.
Identifiers: ClinVar variation 642071 (VCV000642071.6), dbSNP rs1591663032, ClinGen allele CA382531766.

ClinVar aggregate classification (germline): Uncertain significance (1 of 4 stars; one submission).

Conditions:
Ataxia-telangiectasia syndrome (AT). Also called: LOUIS-BAR SYNDROME; Ataxia-telangiectasia, complementation group E; Ataxia-telangiectasia, complementation group D; AT, COMPLEMENTATION GROUP C; Ataxia telangiectasia (A-T); Cerebello-oculocutaneous telangiectasia. Identifiers: Orphanet 100, MedGen C0004135, MONDO:0008840, OMIM 208900.

Submission:

Labcorp Genetics (formerly Invitae), Labcorp
Classification: Uncertain significance for Ataxia-telangiectasia syndrome. Last evaluated: 2021-08-28. Review status: criteria provided, single submitter. Criteria: Invitae Variant Classification Sherloc (09022015). Collection method: clinical testing. Allele origin: germline.
Comment: This sequence change replaces leucine with histidine at codon 1439 of the ATM protein (p.Leu1439His). The leucine residue is highly conserved and there is a moderate physicochemical difference between leucine and histidine. This variant is not present in population databases (ExAC no frequency). This variant has not been reported in the literature in individuals affected with ATM-related conditions. Algorithms developed to predict the effect of missense changes on protein structure and function (SIFT, PolyPhen-2, Align-GVGD) all suggest that this variant is likely to be disruptive. In summary, the available evidence is currently insufficient to determine the role of this variant in disease. Therefore, it has been classified as a Variant of Uncertain Significance.